The following is an entry in ClinVar:

NC_012920.1(MT-ATP6):m.9082C>T

Gene: MT-ATP6 (mitochondrially encoded ATP synthase 6; plus strand).
Variant type: single nucleotide variant.
Genome position: chrM-9082-C-T.
Identifiers: ClinVar variation 693080 (VCV000693080.1), dbSNP rs1603222043, ClinGen allele CA414802155.

ClinVar aggregate classification (germline): Uncertain significance (1 of 4 stars; one submission).

Conditions:
Leigh syndrome (NULS). Also called: Leigh's necrotizing encephalopathy; Leigh's disease; Leigh Syndrome (mtDNA deletion); Leigh Disease; Subacute necrotizing encephalopathy; Necrotizing encephalopathy infantile subacute of Leigh. Identifiers: Orphanet 506, MedGen C2931891, MONDO:0009723, OMIM 256000.

Submission:

Wong Mito Lab, Molecular and Human Genetics, Baylor College of Medicine
Classification: Uncertain significance for Leigh syndrome. Last evaluated: 2019-10-17. Review status: criteria provided, single submitter. Criteria: Modified ACMG Guidelines (Unpublished). Collection method: clinical testing. Allele origin: germline.
Comment: The NC_012920.1:m.9082C>T (YP_003024031.1:p.Leu186Phe) variant in MTATP6 gene is interpretated to be a Uncertain Significance variant based on the modified ACMG guidelines (unpublished). This variant meets the following evidence codes: BS4